The following is an entry in ClinVar:

NM_207421.4(PADI6):c.2045G>A (p.Arg682Gln)

Gene: PADI6 (peptidyl arginine deiminase 6; plus strand). Cytogenetic location: 1p36.13.
Variant type: single nucleotide variant.
Coding change: c.2045G>A on transcript NM_207421.4 (MANE Select); coding-DNA position 2045, G replaced by A.
Protein change: p.Arg682Gln; replaces arginine 682 with glutamine.
Molecular consequence: missense variant.
Genome position (GRCh38, 1-based): chr1:17,401,398, G>A. VCF-style: chr1-17401398-G-A. GRCh37 (hg19) VCF-style: chr1-17727894-G-A.
Other names: short protein forms R682Q.
Identifiers: ClinVar variation 5019182 (VCV005019182.1).
Genomic context (GRCh38, chr1:17,401,398, plus strand): 5'-ATGACTTTGACTGTTACCTGACAGAGGTCGGAGACATCTGTGCCTGTGCCAACATCCGCC[G>A]GGTGCCCTTTGCCTTCAAATGGTGGAAGATGGTACCTTAGACCCAGGCCCTGGAGCTGCC-3'
Protein context (NP_997304.3, residues 672-692): GDICACANIR[Arg682Gln]VPFAFKWWKM

ClinVar aggregate classification (germline): Uncertain significance (1 of 4 stars; one submission).

Conditions:
Oocyte/zygote/embryo maturation arrest 16. Also called: Preimplantation embryonic lethality 2. Identifiers: MedGen C4310659, MONDO:1010200, OMIM 617234.

Submission:

Juno Genomics, Hangzhou Juno Genomics, Inc
Classification: Uncertain significance for Oocyte/zygote/embryo maturation arrest 16. Review status: criteria provided, single submitter. Criteria: ACMG Guidelines, 2015. Collection method: clinical testing. Allele origin: germline. Affected: yes.
Comment: Absent from controls (or at extremely low frequency if recessive) in Genome Aggregation Database.;Patient's phenotype or family history is highly specific for a disease with a single genetic etiology.